The following is an entry in ClinVar:

NM_003924.4(PHOX2B):c.637G>A (p.Gly213Ser)

Gene: PHOX2B (paired like homeobox 2B; minus strand). Cytogenetic location: 4p13.
Variant type: single nucleotide variant.
Coding change: c.637G>A on transcript NM_003924.4 (MANE Select); coding-DNA position 637, G replaced by A.
Protein change: p.Gly213Ser; replaces glycine 213 with serine.
Molecular consequence: missense variant.
Genome position (GRCh38, 1-based): chr4:41,746,115, C>T on the plus strand (G>A on the coding strand, the complement: PHOX2B is on the minus strand). VCF-style: chr4-41746115-C-T. GRCh37 (hg19) VCF-style: chr4-41748132-C-T.
Other names: short protein forms G213S.
Identifiers: ClinVar variation 999479 (VCV000999479.11), dbSNP rs762119056, ClinGen allele CA2901472.

ClinVar aggregate classification (germline): Uncertain significance. Review status: criteria provided, multiple submitters, no conflicts (2 of 4 stars). 2 submissions from 2 submitters: Uncertain significance (2). Last evaluated 2025-05-17.

Conditions:
Hereditary cancer-predisposing syndrome. Also called: Neoplastic Syndromes, Hereditary; Tumor predisposition; Hereditary Cancer Syndrome; Hereditary neoplastic syndrome. Identifiers: Orphanet 140162, MedGen C0027672, MeSH D009386, MONDO:0015356.
Haddad syndrome (OHD). Also called: Ondine-Hirschsprung disease. Identifiers: Orphanet 99803, MedGen C1859049, MONDO:0020493.

Allele frequency attached by ClinVar (database versions not stated): gnomAD exomes 0.00001 and 0.00002; ExAC 0.00002.

Submissions (2):

Ambry Genetics
Classification: Uncertain significance for Hereditary cancer-predisposing syndrome. Last evaluated: 2025-05-17. Review status: criteria provided, single submitter. Criteria: Ambry Variant Classification Scheme 2023. Collection method: clinical testing. Allele origin: germline.
Comment: The p.G213S variant (also known as c.637G>A), located in coding exon 3 of the PHOX2B gene, results from a G to A substitution at nucleotide position 637. The glycine at codon 213 is replaced by serine, an amino acid with similar properties. This amino acid position is highly conserved in available vertebrate species. In addition, this alteration is predicted to be tolerated by in silico analysis. Since supporting evidence is limited at this time, the clinical significance of this alteration remains unclear.

Labcorp Genetics (formerly Invitae), Labcorp
Classification: Uncertain significance for Haddad syndrome. Last evaluated: 2023-07-08. Review status: criteria provided, single submitter. Criteria: Invitae Variant Classification Sherloc (09022015). Collection method: clinical testing. Allele origin: germline.
Comment: ClinVar contains an entry for this variant (Variation ID: 999479). Advanced modeling of protein sequence and biophysical properties (such as structural, functional, and spatial information, amino acid conservation, physicochemical variation, residue mobility, and thermodynamic stability) performed at Invitae indicates that this missense variant is not expected to disrupt PHOX2B protein function. In summary, the available evidence is currently insufficient to determine the role of this variant in disease. Therefore, it has been classified as a Variant of Uncertain Significance. This variant has not been reported in the literature in individuals affected with PHOX2B-related conditions. This variant is present in population databases (rs762119056, gnomAD 0.001%). This sequence change replaces glycine, which is neutral and non-polar, with serine, which is neutral and polar, at codon 213 of the PHOX2B protein (p.Gly213Ser).